The following is an entry in ClinVar:

NM_001376.5(DYNC1H1):c.13373-131G>A

Gene: DYNC1H1 (dynein cytoplasmic 1 heavy chain 1; plus strand). Cytogenetic location: 14q32.31.
Variant type: single nucleotide variant.
Coding change: c.13373-131G>A on transcript NM_001376.5 (MANE Select); 131 bases into the intron before coding-DNA position 13373, G replaced by A.
Molecular consequence: intron variant.
Genome position (GRCh38, 1-based): chr14:102,049,309, G>A. VCF-style: chr14-102049309-G-A. GRCh37 (hg19) VCF-style: chr14-102515646-G-A.
Identifiers: ClinVar variation 677565 (VCV000677565.1), dbSNP rs17512982, ClinGen allele CA14050766.

ClinVar aggregate classification (germline): Likely benign (1 of 4 stars; one submission).

Allele frequency attached by ClinVar (database versions not stated): gnomAD exomes 0.00143; 1000 Genomes Project 0.01318; gnomAD 0.01333 and 0.01438; 1000 Genomes Project 30x 0.01421; TOPMed 0.01542.
gnomAD v4.1: 3,817 of 1,347,096 alleles (0.28%); highest among the groups gnomAD compares: African/African-American, 4.8%; 80 homozygotes.

Submission:

GeneDx
Classification: Likely benign. Last evaluated: 2018-06-16. Review status: criteria provided, single submitter. Criteria: GeneDx Variant Classification (06012015). Collection method: clinical testing. Allele origin: germline. Affected: yes.
Comment: This variant is considered likely benign or benign based on one or more of the following criteria: it is a conservative change, it occurs at a poorly conserved position in the protein, it is predicted to be benign by multiple in silico algorithms, and/or has population frequency not consistent with disease.